The following is an entry in ClinVar:

ClinVar aggregate classification (germline): Uncertain significance. Review status: criteria provided, multiple submitters, no conflicts (2 of 4 stars). 2 submissions from 2 submitters: Uncertain significance (2). Last evaluated 2025-12-04.

Conditions:
Inborn genetic diseases. Identifiers: MedGen C0950123, MeSH D030342.

Allele frequency attached by ClinVar (database versions not stated): TOPMed 0.00001; gnomAD exomes 0.00001; gnomAD 0.00002.

Submissions (2):

Ambry Genetics
Classification: Uncertain significance for Inborn genetic diseases. Last evaluated: 2025-12-04. Review status: criteria provided, single submitter. Criteria: Ambry Variant Classification Scheme 2023. Collection method: clinical testing. Allele origin: germline.

Labcorp Genetics (formerly Invitae), Labcorp
Classification: Uncertain significance. Last evaluated: 2020-08-05. Review status: criteria provided, single submitter. Criteria: Invitae Variant Classification Sherloc (09022015). Collection method: clinical testing. Allele origin: germline.
Comment: In summary, the available evidence is currently insufficient to determine the role of this variant in disease. Therefore, it has been classified as a Variant of Uncertain Significance. Algorithms developed to predict the effect of missense changes on protein structure and function output the following: SIFT: "Tolerated"; PolyPhen-2: "Benign"; Align-GVGD: "Class C0". The serine amino acid residue is found in multiple mammalian species, suggesting that this missense change does not adversely affect protein function. These predictions have not been confirmed by published functional studies and their clinical significance is uncertain. This variant has not been reported in the literature in individuals with LRIT3-related conditions. This variant is not present in population databases (ExAC no frequency). This sequence change replaces proline with serine at codon 371 of the LRIT3 protein (p.Pro371Ser). The proline residue is weakly conserved and there is a moderate physicochemical difference between proline and serine.

NM_198506.5(LRIT3):c.1111C>T (p.Pro371Ser)

Gene: LRIT3 (leucine rich repeat, Ig-like and transmembrane domains 3; plus strand). Cytogenetic location: 4q25.
Variant type: single nucleotide variant.
Coding change: c.1111C>T on transcript NM_198506.5 (MANE Select); coding-DNA position 1111, C replaced by T.
Protein change: p.Pro371Ser; replaces proline 371 with serine.
Molecular consequence: missense variant.
Genome position (GRCh38, 1-based): chr4:109,869,860, C>T. VCF-style: chr4-109869860-C-T. GRCh37 (hg19) VCF-style: chr4-110791016-C-T.
Other names: c.976C>T (NM_198506.2); short protein forms P371S.
Identifiers: ClinVar variation 1017071 (VCV001017071.5), dbSNP rs1167375295, ClinGen allele CA357870325.